The following is an entry in ClinVar:

NM_004667.6(HERC2):c.3357G>A (p.Ala1119=)

Gene: HERC2 (HECT and RLD domain containing E3 ubiquitin protein ligase 2; minus strand). Cytogenetic location: 15q13.1.
Variant type: single nucleotide variant.
Coding change: c.3357G>A on transcript NM_004667.6 (MANE Select); coding-DNA position 3357, G replaced by A.
Protein change: p.Ala1119=; no amino-acid change (alanine 1119 retained).
Molecular consequence: synonymous variant.
Genome position (GRCh38, 1-based): chr15:28,246,776, C>T on the plus strand (G>A on the coding strand, the complement: HERC2 is on the minus strand). VCF-style: chr15-28246776-C-T. GRCh37 (hg19) VCF-style: chr15-28491922-C-T.
Identifiers: ClinVar variation 1318263 (VCV001318263.27), dbSNP rs140345440, ClinGen allele CA7442920.

ClinVar aggregate classification (germline): Conflicting classifications of pathogenicity. Review status: criteria provided, conflicting classifications (1 of 4 stars). 3 submissions from 3 submitters: Uncertain significance (1); Likely benign (1). 1 of the submissions does not count toward it. Last evaluated 2026-04-01.

Conditions:
HERC2-related disorder. Also called: HERC2-related condition.

Allele frequency attached by ClinVar (database versions not stated): gnomAD exomes 0.00026 and 0.00028; ExAC 0.00040; gnomAD 0.00082 and 0.00084; TOPMed 0.00094; ESP Exome Variant Server 0.00123; 1000 Genomes Project 0.00220; 1000 Genomes Project 30x 0.00265.
gnomAD v4.1: 498 of 1,605,454 alleles (0.031%); highest among the groups gnomAD compares: African/African-American, 0.31%; no homozygotes.

Submissions (3):

CeGaT Center for Human Genetics Tuebingen
Classification: Likely benign. Last evaluated: 2026-04-01. Review status: criteria provided, single submitter. Criteria: CeGaT Center For Human Genetics Tuebingen Variant Classification Criteria Version 2. Collection method: clinical testing. Allele origin: germline. Affected: yes. Observed: 2 variant alleles.
Comment: HERC2: BP4, BP7

GeneDx
Classification: Uncertain significance. Last evaluated: 2020-02-01. Review status: criteria provided, single submitter. Criteria: GeneDx Variant Classification Process June 2021. Collection method: clinical testing. Allele origin: germline. Affected: yes.
Comment: Synonymous amino acid substitution; In-silico analysis, which includes splice predictors and evolutionary conservation, is inconclusive as to whether the variant alters gene splicing. In the absence of RNA/functional studies, the actual effect of this sequence change is unknown.; Has not been previously published as pathogenic or benign to our knowledge

PreventionGenetics, part of Exact Sciences
Classification: Likely benign for HERC2-related condition. Last evaluated: 2023-01-12. Review status: no assertion criteria provided. Collection method: clinical testing. Allele origin: germline. Not counted in ClinVar's aggregate classification.
Comment: This variant is classified as likely benign based on ACMG/AMP sequence variant interpretation guidelines (Richards et al. 2015 PMID: 25741868, with internal and published modifications).